The following is an entry in ClinVar:

NM_000535.7(PMS2):c.1642G>A (p.Asp548Asn)

Gene: PMS2 (PMS1 homolog 2, mismatch repair system component; minus strand). Cytogenetic location: 7p22.1.
Variant type: single nucleotide variant.
Coding change: c.1642G>A on transcript NM_000535.7 (MANE Select); coding-DNA position 1642, G replaced by A.
Protein change: p.Asp548Asn; replaces aspartic acid 548 with asparagine.
Molecular consequence: missense variant. On other transcripts: non-coding transcript variant (1).
Genome position (GRCh38, 1-based): chr7:5,987,123, C>T on the plus strand (G>A on the coding strand, the complement: PMS2 is on the minus strand). VCF-style: chr7-5987123-C-T. GRCh37 (hg19) VCF-style: chr7-6026754-C-T.
Other names: c.1237G>A, p.Asp413Asn (NM_001322003.2, NM_001322004.2, NM_001322005.2 and 1 more transcripts); c.1486G>A, p.Asp496Asn (NM_001322006.2); c.1324G>A, p.Asp442Asn (NM_001322007.2, NM_001322008.2); c.1081G>A, p.Asp361Asn (NM_001322010.2); c.709G>A, p.Asp237Asn (NM_001322011.2, NM_001322012.2); c.1069G>A, p.Asp357Asn (NM_001322013.2); c.1642G>A, p.Asp548Asn (NM_001322014.2); c.1333G>A, p.Asp445Asn (NM_001322015.2); short protein forms D548N, D361N, D442N, D237N, D357N, D413N, D445N, D496N.
Identifiers: ClinVar variation 216453 (VCV000216453.22), dbSNP rs374591423, ClinGen allele CA044914.

ClinVar aggregate classification (germline): Conflicting classifications of pathogenicity. Review status: criteria provided, conflicting classifications (1 of 4 stars). 6 submissions from 6 submitters: Uncertain significance (4); Benign (1); Likely benign (1). Last evaluated 2025-10-27.

Conditions:
Hereditary nonpolyposis colorectal neoplasms. Identifiers: MedGen C0009405, MeSH D003123.
Hereditary cancer-predisposing syndrome. Also called: Hereditary Cancer Syndrome; Hereditary neoplastic syndrome; Neoplastic Syndromes, Hereditary; Tumor predisposition. Identifiers: Orphanet 140162, MedGen C0027672, MeSH D009386, MONDO:0015356.
Lynch syndrome. Identifiers: Orphanet 144, MedGen C4552100, MONDO:0005835. Disease mechanism: loss of function.

Allele frequency attached by ClinVar (database versions not stated): gnomAD 0.00001; TOPMed 0.00001; ESP Exome Variant Server 0.00008.

Submissions (6):

Labcorp Genetics (formerly Invitae), Labcorp
Classification: Benign for Hereditary nonpolyposis colorectal neoplasms. Last evaluated: 2025-10-27. Review status: criteria provided, single submitter. Criteria: Invitae Variant Classification Sherloc (09022015). Collection method: clinical testing. Allele origin: germline.

All of Us Research Program, National Institutes of Health
Classification: Uncertain significance for Lynch syndrome. Last evaluated: 2024-09-23. Review status: criteria provided, single submitter. Criteria: ACMG Guidelines, 2015. Collection method: clinical testing. Allele origin: germline. Inheritance: Autosomal dominant inheritance. Observed: 1 variant allele, 1 heterozygote.
Comment: This missense variant replaces aspartic acid with asparagine at codon 548 of the PMS2 protein. Computational prediction tools and conservation analyses are inconclusive regarding the impact of this variant on the protein function. Computational splicing tools suggest that this variant may not impact RNA splicing. To our knowledge, functional assays have not been performed for this variant nor has this variant been reported in individuals affected with hereditary cancer in the literature. This variant has been identified in 2/251052 chromosomes in the general population by the Genome Aggregation Database (gnomAD). Available evidence is insufficient to determine the role of this variant in disease conclusively. Therefore, this variant is classified as a Variant of Uncertain Significance.

This study involves interpretation of variants in research participants for the purpose of population health screening. Participant phenotype was not available at the time of variant classification. Additional details can be found in publication PMID: 35346344, PMCID: PMC8962531

Ambry Genetics
Classification: Likely benign for Hereditary cancer-predisposing syndrome. Last evaluated: 2024-07-01. Review status: criteria provided, single submitter. Criteria: Ambry Variant Classification Scheme 2023. Collection method: clinical testing. Allele origin: germline.

GeneDx
Classification: Uncertain significance. Last evaluated: 2023-04-14. Review status: criteria provided, single submitter. Criteria: GeneDx Variant Classification Process June 2021. Collection method: clinical testing. Allele origin: germline. Affected: yes.
Comment: Observed in an individual with breast cancer who also harbored a pathogenic BRCA1 variant (Nikitin et al., 2020); In silico analysis supports that this missense variant does not alter protein structure/function; Not observed at significant frequency in large population cohorts (gnomAD); This variant is associated with the following publications: (PMID: 32547938)

Sema4
Classification: Uncertain significance for Hereditary cancer-predisposing syndrome. Last evaluated: 2021-10-27. Review status: criteria provided, single submitter. Criteria: Sema4 Curation Guidelines. Collection method: curation. Allele origin: germline.
Comment: The PMS2 c.1642G>A (p.D548N) variant has been reported in at least one individual with breast cancer, however, this individual also carried a pathogenic variant in BRCA1 gene (PMID: 32547938). It was observed in 2/113560 chromosomes from the Non-Finnish European subpopulation in the large and broad cohorts of the Genome Aggregation Database (PMID: 32461654). The variant has been reported in ClinVar (Variation ID: 216453). Functional studies have not been performed, and in silico predictions of the variant's effect on protein function are inconclusive. The evidence is insufficient to meet ACMG/AMP criteria for classifying the variant as benign or pathogenic. Thus, the clinical significance of this variant is currently uncertain.

Color Diagnostics, LLC DBA Color Health
Classification: Uncertain significance for Hereditary cancer-predisposing syndrome. Last evaluated: 2019-07-31. Review status: criteria provided, single submitter. Criteria: ACMG Guidelines, 2015. Collection method: clinical testing. Allele origin: germline.
Comment: This missense variant replaces aspartic acid with asparagine at codon 548 of the PMS2 protein. Computational prediction tools and conservation analyses are inconclusive regarding the impact of this variant on the protein function. Computational splicing tools suggest that this variant may not impact RNA splicing. To our knowledge, functional assays have not been performed for this variant nor has this variant been reported in individuals affected with hereditary cancer in the literature. This variant has been identified in 2/251052 chromosomes in the general population by the Genome Aggregation Database (gnomAD). Available evidence is insufficient to determine the role of this variant in disease conclusively. Therefore, this variant is classified as a Variant of Uncertain Significance.

Literature cited by the submitters: PubMed 32547938 (cited by Ambry Genetics and Sema4).